The following is an entry in ClinVar:

NM_022124.6(CDH23):c.1291-1G>A

Gene: CDH23 (cadherin related 23; plus strand). Cytogenetic location: 10q22.1.
Variant type: single nucleotide variant.
Coding change: c.1291-1G>A on transcript NM_022124.6 (MANE Select); the canonical splice acceptor site of the intron before coding-DNA position 1291, G replaced by A.
Molecular consequence: splice acceptor variant.
Genome position (GRCh38, 1-based): chr10:71,646,458, G>A. VCF-style: chr10-71646458-G-A. GRCh37 (hg19) VCF-style: chr10-73406215-G-A.
Other names: c.1291-1G>A (NM_001171930.2, NM_001171931.2, NM_052836.4).
Identifiers: ClinVar variation 1064608 (VCV001064608.4), dbSNP rs2132596686, ClinGen allele CA377127895.

ClinVar aggregate classification (germline): Pathogenic. Review status: criteria provided, multiple submitters, no conflicts (2 of 4 stars). 2 submissions from 2 submitters: Pathogenic (2). Last evaluated 2020-07-02.

Conditions:
Usher syndrome type 1D (USH1D). Also called: USHER SYNDROME, TYPE ID. Identifiers: Orphanet 231169, Orphanet 886, MedGen C1832845, MONDO:0010984, OMIM 601067.
Autosomal recessive nonsyndromic hearing loss 12. Also called: DEAFNESS, AUTOSOMAL RECESSIVE 12. Identifiers: Orphanet 90636, MedGen C1832394, MONDO:0011067, OMIM 601386.

Submissions (2):

Victorian Clinical Genetics Services, Murdoch Childrens Research Institute
Classification: Pathogenic for Usher syndrome type 1D. Last evaluated: 2020-07-02. Review status: criteria provided, single submitter. Criteria: ACMG Guidelines, 2015. Collection method: clinical testing. Allele origin: germline. Inheritance: Autosomal recessive inheritance. Affected: yes.
Comment: Based on the classification scheme VCGS_Germline_v1.3.3, this variant is classified as Pathogenic. Following criteria are met: 0102 - Loss of function is a known mechanism of disease in this gene and is associated with deafness and Usher syndrome. (I) 0106 - This gene is associated with autosomal recessive disease. (I) 0210 - Splice site variant proven to affect splicing of the transcript with a known effect on protein sequence. mRNA studies from a research laboratory have shown that this variant results in three different splice products; one that deletes 15 amino acids from the cadherin 4 domain, and two that induce a frameshift and result in a premature termination codon (PTC), and are predicted to cause nonsense-mediated decay (NMD) and loss of protein (PTC is located at least 54 nucleotides upstream of the final exon-exon junction) (The Children's Hospital at Westmead). (SP) 0219 - This variant is intergenic in an alternative transcript. The variant is intergenic in a number of shorter transcripts however, it encodes a canonical splice variant in the four longest transcripts, including the most clinically relevant (ClinVar, UCSC). (I) 0251 - This variant is heterozygous. (I) 0301 - Variant is absent from gnomAD (both v2 and v3). (SP) 0505 - Abnormal splicing is predicted by in silico tools and affected nucleotide is highly conserved. (SP) 0600 - Variant is located in the annotated cadherin 4 repeat domain (NCBI, PDB). (I) 0701 - Other variants comparable to the one identified in this case have very strong previous evidence for pathogenicity. More than ten other variants predicted to result in NMD have previously been reported as pathogenic in patients with deafness and Usher syndrome (ClinVar). (SP) 0803 - This variant has limited previous evidence of pathogenicity in an individual. The variant has previously been reported once as pathogenic with no further information available (LOVD). (SP) 0905 - No published segregation evidence has been identified for this variant. (I) 1007 - No published functional evidence has been identified for this variant. (I) Legend: (SP) - Supporting pathogenic, (I) - Information, (SB) - Supporting benign

Kids Neuroscience Centre, Sydney Children's Hospitals Network
Classification: Pathogenic for Autosomal recessive nonsyndromic hearing loss 12. Review status: criteria provided, single submitter. Criteria: Bournazos AM et al. (Genet Med 2021). Collection method: clinical testing. Allele origin: maternal, paternal, unknown. Inheritance: Autosomal recessive inheritance. Affected: yes and no. Observed: 1 heterozygote, 2 compound heterozygotes.
Comment: Detected three abnormal splicing events induced by the c.1291-1G>A variant: (1) Use of a cryptic 3’-splice site 45 bp into exon 14 (r.1291_1335del; p.(Leu431_Lys445del)). This in-frame deletion removes 15 amino acids from the Cadherin 4 domain of CDH23, (2) Use of a cryptic 3’-splice site 92 bp into exon 14 (r.1291_1382del; p.(Leu431Profs*25)). This event induces a frameshift and encodes a premature termination codon. These transcripts are predicted to be targeted by NMD, (3) Intron 13 retention (r.1290_1291ins[1290+1_1291-1]; p.(Lys431Valfs*22). This event induces a frameshift and encodes a premature termination codon. These transcripts are predicted to be targeted by NMD. Any mis-spliced CDH23 transcripts that escape NMD encode CDH23 protein lacking 2,924 amino acids from the C-terminus, removing the Cadherin domains 4-27 and the transmembrane domain.